The following is an entry in ClinVar:

ClinVar aggregate classification (germline): Uncertain significance (1 of 4 stars; one submission).

gnomAD v4.1: 1 of 1,612,980 alleles (0.000062%); no homozygotes.

Submission:

Ambry Genetics
Classification: Uncertain significance. Last evaluated: 2025-11-11. Review status: criteria provided, single submitter. Criteria: Ambry Variant Classification Scheme 2023. Collection method: clinical testing. Allele origin: germline.
Comment: The p.L813F variant (also known as c.2437C>T), located in coding exon 11 of the WNK2 gene, results from a C to T substitution at nucleotide position 2437. The leucine at codon 813 is replaced by phenylalanine, an amino acid with highly similar properties. This amino acid position is conserved. In addition, this alteration is predicted to be tolerated by in silico analysis. Based on the available evidence, the clinical significance of this variant remains unclear.

NM_006648.4(WNK2):c.2437C>T (p.Leu813Phe)

Gene: WNK2 (WNK lysine deficient protein kinase 2; plus strand). Cytogenetic location: 9q22.31.
Variant type: single nucleotide variant.
Coding change: c.2437C>T on transcript NM_006648.4 (MANE Select); coding-DNA position 2437, C replaced by T.
Protein change: p.Leu813Phe; replaces leucine 813 with phenylalanine.
Molecular consequence: missense variant.
Genome position (GRCh38, 1-based): chr9:93,258,985, C>T. VCF-style: chr9-93258985-C-T. GRCh37 (hg19) VCF-style: chr9-96021267-C-T.
Other names: c.2437C>T, p.Leu813Phe (NM_001282394.3); short protein forms L813F.
Identifiers: ClinVar variation 4605354 (VCV004605354.1).